The following is an entry in ClinVar:

ClinVar aggregate classification (germline): Benign/Likely benign. Review status: criteria provided, multiple submitters, no conflicts (2 of 4 stars). 2 submissions from 2 submitters: Benign (1); Likely benign (1). Last evaluated 2026-05-22.

Conditions:
MAPT-related disorder. Also called: MAPT-related condition; MAPT-Related Disorders.

gnomAD v4.1: 37 of 1,610,708 alleles (0.0023%); highest among the groups gnomAD compares: African/African-American, 0.037%; no homozygotes.

Submissions (2):

PreventionGenetics, part of Exact Sciences
Classification: Likely benign for MAPT-related condition. Last evaluated: 2026-05-22. Review status: criteria provided, single submitter. Criteria: ACMG Guidelines, 2015. Collection method: clinical testing. Allele origin: germline.
Comment: This variant is classified as likely benign based on ACMG/AMP sequence variant interpretation guidelines (Richards et al. 2015 PMID: 25741868, with internal and published modifications).

Athena Diagnostics
Classification: Benign. Last evaluated: 2025-09-04. Review status: criteria provided, single submitter. Criteria: Athena Diagnostics Criteria. Collection method: clinical testing. Allele origin: unknown.
Comment: The frequency of this variant in the general population is higher than would generally be expected for pathogenic variants in this gene. Computational tools yielded predictions that this variant is unlikely to have an effect on normal RNA splicing. This nucleotide position exhibits low evolutionary conservation.

NM_001377265.1(MAPT):c.1998+31G>A

Gene: MAPT (microtubule associated protein tau). Cytogenetic location: 17q21.31.
Variant type: single nucleotide variant.
Coding change: c.1998+31G>A on transcript NM_001377265.1 (MANE Select); 31 bases into the intron after coding-DNA position 1998, G replaced by A.
Molecular consequence: intron variant.
Genome position (GRCh38, 1-based): chr17:45,996,695, G>A. VCF-style: chr17-45996695-G-A. GRCh37 (hg19) VCF-style: chr17-44074061-G-A.
Other names: c.648+31G>A (NM_001377268.1, NM_016834.5, NM_016841.5); c.1827+31G>A (NM_001123066.4, NM_001123066.3); c.1773+31G>A (NM_016835.5); c.822+31G>A (NM_005910.6, NM_001203252.2); c.1800+31G>A (NM_001377266.1); c.735+31G>A (NM_001123067.4, NM_001203251.2, NM_001377267.1).
Identifiers: ClinVar variation 4682437 (VCV004682437.2).